The following is an entry in ClinVar:

ClinVar aggregate classification (germline): Uncertain significance (1 of 4 stars; one submission).

Conditions:
Encephalopathy, acute, infection-induced (herpes-specific), susceptibility to, 6. Also called: Herpes simplex encephalitis, susceptibility to, 4. Identifiers: Orphanet 1930, MedGen C3553869, MONDO:0013921, OMIM 614850.

Allele frequency attached by ClinVar (database versions not stated): TOPMed 0.00002; gnomAD exomes 0.00006 and 0.00001; ExAC 0.00007.
gnomAD v4.1: 12 of 1,613,604 alleles (0.00074%); highest among the groups gnomAD compares: East Asian, 0.025%; no homozygotes.

Submission:

Labcorp Genetics (formerly Invitae), Labcorp
Classification: Uncertain significance for Encephalopathy, acute, infection-induced (herpes-specific), susceptibility to, 6. Last evaluated: 2022-07-05. Review status: criteria provided, single submitter. Criteria: Invitae Variant Classification Sherloc (09022015). Collection method: clinical testing. Allele origin: germline.
Comment: In summary, the available evidence is currently insufficient to determine the role of this variant in disease. Therefore, it has been classified as a Variant of Uncertain Significance. Algorithms developed to predict the effect of missense changes on protein structure and function output the following: SIFT: "Tolerated"; PolyPhen-2: "Benign"; Align-GVGD: "Class C0". The serine amino acid residue is found in multiple mammalian species, which suggests that this missense change does not adversely affect protein function. ClinVar contains an entry for this variant (Variation ID: 1057108). This variant has not been reported in the literature in individuals affected with TICAM1-related conditions. This variant is present in population databases (rs779115581, gnomAD 0.08%). This sequence change replaces proline, which is neutral and non-polar, with serine, which is neutral and polar, at codon 356 of the TICAM1 protein (p.Pro356Ser).

NM_182919.4(TICAM1):c.1066C>T (p.Pro356Ser)

Gene: TICAM1 (TIR domain containing adaptor molecule 1; minus strand). Cytogenetic location: 19p13.3.
Variant type: single nucleotide variant.
Coding change: c.1066C>T on transcript NM_182919.4 (MANE Select); coding-DNA position 1066, C replaced by T.
Protein change: p.Pro356Ser; replaces proline 356 with serine.
Molecular consequence: missense variant.
Genome position (GRCh38, 1-based): chr19:4,817,312, G>A on the plus strand (C>T on the coding strand, the complement: TICAM1 is on the minus strand). VCF-style: chr19-4817312-G-A. GRCh37 (hg19) VCF-style: chr19-4817324-G-A.
Other names: c.1024C>T, p.Pro342Ser (NM_001385678.1); c.931C>T, p.Pro311Ser (NM_001385679.1); c.424C>T, p.Pro142Ser (NM_001385680.1); short protein forms P142S, P311S, P342S, P356S.
Identifiers: ClinVar variation 1057108 (VCV001057108.7), dbSNP rs779115581, ClinGen allele CA9105214.